The following is an entry in ClinVar:

NM_006044.4(HDAC6):c.1454A>G (p.Tyr485Cys)

Gene: HDAC6 (histone deacetylase 6; plus strand). Cytogenetic location: Xp11.23.
Variant type: single nucleotide variant.
Coding change: c.1454A>G on transcript NM_006044.4 (MANE Select); coding-DNA position 1454, A replaced by G.
Protein change: p.Tyr485Cys; replaces tyrosine 485 with cysteine.
Molecular consequence: missense variant. On other transcripts: non-coding transcript variant (1).
Genome position (GRCh38, 1-based): chrX:48,816,013, A>G. VCF-style: chrX-48816013-A-G. GRCh37 (hg19) VCF-style: chrX-48674420-A-G.
Other names: c.1496A>G, p.Tyr499Cys (NM_001321225.2); c.1454A>G, p.Tyr485Cys (NM_001321226.2, NM_001321227.2, NM_001321228.2 and 1 more transcripts); short protein forms Y499C, Y485C.
Identifiers: ClinVar variation 5007568 (VCV005007568.2).

ClinVar aggregate classification (germline): Uncertain significance (1 of 4 stars; one submission).

Conditions:
X-linked dominant chondrodysplasia, Chassaing-Lacombe type. Also called: Chondrodysplasia with platyspondyly, distinctive brachydactyly, hydrocephaly, and microphthalmia. Identifiers: Orphanet 163966, MedGen C3275476, MONDO:0010463, OMIM 300863.

Submission:

Juno Genomics, Hangzhou Juno Genomics, Inc
Classification: Uncertain significance for X-linked dominant chondrodysplasia, Chassaing-Lacombe type. Review status: criteria provided, single submitter. Criteria: ACMG Guidelines, 2015. Collection method: clinical testing. Allele origin: germline.
Comment: Multiple lines of computational evidence support a deleterious effect on the gene or gene product.;Absent from controls (or at extremely low frequency if recessive) in Genome Aggregation Database.